The following is an entry in ClinVar:

ClinVar aggregate classification (germline): Benign/Likely benign. Review status: criteria provided, multiple submitters, no conflicts (2 of 4 stars). 3 submissions from 3 submitters: Benign (1); Likely benign (2). Last evaluated 2026-06-03.

Conditions:
Hereditary cancer-predisposing syndrome. Also called: Neoplastic Syndromes, Hereditary; Hereditary Cancer Syndrome; Hereditary neoplastic syndrome; Tumor predisposition. Identifiers: Orphanet 140162, MedGen C0027672, MeSH D009386, MONDO:0015356.
Gastrointestinal stromal tumor. Also called: Gastrointestinal stroma tumor; Gastrointestinal stromal tumor, somatic. Identifiers: Orphanet 44890, MedGen C0238198, MeSH D046152, MONDO:0011719, OMIM 606764, HP:0100723.

Allele frequency attached by ClinVar (database versions not stated): TOPMed 0.00001; ESP Exome Variant Server 0.00008.
gnomAD v4.1: 16 of 1,613,616 alleles (0.00099%); highest among the groups gnomAD compares: Non-Finnish European, 0.0014%; no homozygotes.

Submissions (3):

Myriad Genetics, Inc.
Classification: Benign for Gastrointestinal stromal tumor. Last evaluated: 2026-06-03. Review status: criteria provided, single submitter. Criteria: Myriad Autosomal Dominant, Autosomal Recessive and X-Linked Classification Criteria (2023). Collection method: clinical testing. Allele origin: unknown.
Comment: This variant is considered benign. This variant is a silent/synonymous amino acid change and it is not expected to impact splicing.

Labcorp Genetics (formerly Invitae), Labcorp
Classification: Likely benign for Gastrointestinal stromal tumor. Last evaluated: 2025-11-18. Review status: criteria provided, single submitter. Criteria: Invitae Variant Classification Sherloc (09022015). Collection method: clinical testing. Allele origin: germline.

Ambry Genetics
Classification: Likely benign for Hereditary cancer-predisposing syndrome. Last evaluated: 2022-03-04. Review status: criteria provided, single submitter. Criteria: Ambry Variant Classification Scheme 2023. Collection method: clinical testing. Allele origin: germline.

NM_000222.3(KIT):c.1155C>G (p.Thr385=)

Gene: KIT (KIT proto-oncogene, receptor tyrosine kinase; plus strand). Cytogenetic location: 4q12.
Variant type: single nucleotide variant.
Coding change: c.1155C>G on transcript NM_000222.3 (MANE Select); coding-DNA position 1155, C replaced by G.
Protein change: p.Thr385=; no amino-acid change (threonine 385 retained).
Molecular consequence: synonymous variant.
Genome position (GRCh38, 1-based): chr4:54,709,463, C>G. VCF-style: chr4-54709463-C-G. GRCh37 (hg19) VCF-style: chr4-55575629-C-G.
Other names: c.1155C>G, p.Thr385= (NM_001093772.2, NM_001385285.1, NM_001385286.1); c.1158C>G, p.Thr386= (NM_001385284.1, NM_001385288.1, NM_001385290.1 and 1 more transcripts).
Identifiers: ClinVar variation 415819 (VCV000415819.23), dbSNP rs373472667, ClinGen allele CA2923401.